The following is an entry in ClinVar:

NM_000284.4(PDHA1):c.953T>A (p.Met318Lys)

Gene: PDHA1 (pyruvate dehydrogenase E1 subunit alpha 1; plus strand). Cytogenetic location: Xp22.12.
Variant type: single nucleotide variant.
Coding change: c.953T>A on transcript NM_000284.4 (MANE Select); coding-DNA position 953, T replaced by A.
Protein change: p.Met318Lys; replaces methionine 318 with lysine.
Molecular consequence: missense variant.
Genome position (GRCh38, 1-based): chrX:19,358,969, T>A. VCF-style: chrX-19358969-T-A. GRCh37 (hg19) VCF-style: chrX-19377087-T-A.
Other names: c.1067T>A, p.Met356Lys (NM_001173454.2); c.974T>A, p.Met325Lys (NM_001173455.2); c.860T>A, p.Met287Lys (NM_001173456.2); short protein forms M325K, M287K, M356K, M318K.
Identifiers: ClinVar variation 2771369 (VCV002771369.3), dbSNP rs1291435039, ClinGen allele CA412396177.

ClinVar aggregate classification (germline): Uncertain significance (1 of 4 stars; one submission).

Conditions:
Pyruvate dehydrogenase E1-alpha deficiency (PDHAD). Also called: ATAXIA, INTERMITTENT, WITH PYRUVATE DEHYDROGENASE DEFICIENCY; ATAXIA WITH LACTIC ACIDOSIS I; Ataxia, intermittent, with pyruvate dehydrogenase, or decarboxylase, deficiency; ATAXIA, INTERMITTENT, WITH ABNORMAL PYRUVATE METABOLISM. Identifiers: Orphanet 79243, MedGen C1839413, MONDO:0010717, OMIM 312170.

Allele frequency attached by ClinVar (database versions not stated): TOPMed 0.00002; gnomAD 0.00003.
gnomAD v4.1: 3 of 1,199,038 alleles (0.00025%); highest among the groups gnomAD compares: African/African-American, 0.0053%; no homozygotes.

Submission:

Labcorp Genetics (formerly Invitae), Labcorp
Classification: Uncertain significance for Pyruvate dehydrogenase E1-alpha deficiency. Last evaluated: 2023-06-05. Review status: criteria provided, single submitter. Criteria: Invitae Variant Classification Sherloc (09022015). Collection method: clinical testing. Allele origin: germline.
Comment: This sequence change replaces methionine, which is neutral and non-polar, with lysine, which is basic and polar, at codon 318 of the PDHA1 protein (p.Met318Lys). This variant is not present in population databases (gnomAD no frequency). In summary, the available evidence is currently insufficient to determine the role of this variant in disease. Therefore, it has been classified as a Variant of Uncertain Significance. Advanced modeling of protein sequence and biophysical properties (such as structural, functional, and spatial information, amino acid conservation, physicochemical variation, residue mobility, and thermodynamic stability) performed at Invitae indicates that this missense variant is not expected to disrupt PDHA1 protein function. This variant has not been reported in the literature in individuals affected with PDHA1-related conditions.